The following is an entry in ClinVar:

ClinVar aggregate classification (germline): Uncertain significance (1 of 4 stars; one submission).

Conditions:
Charcot-Marie-Tooth disease type 2. Also called: Charcot-Marie-Tooth type 2. Identifiers: Orphanet 64746, MedGen C0270914, MONDO:0018993.

Allele frequency attached by ClinVar (database versions not stated): gnomAD exomes below 0.00001.
gnomAD v4.1: 1 of 1,612,556 alleles (0.000062%); highest among the groups gnomAD compares: African/African-American, 0.0013%; no homozygotes.

Submission:

Labcorp Genetics (formerly Invitae), Labcorp
Classification: Uncertain significance for Charcot-Marie-Tooth disease type 2. Last evaluated: 2019-06-17. Review status: criteria provided, single submitter. Criteria: Invitae Variant Classification Sherloc (09022015). Collection method: clinical testing. Allele origin: germline.
Comment: In summary, the available evidence is currently insufficient to determine the role of this variant in disease. Therefore, it has been classified as a Variant of Uncertain Significance. Algorithms developed to predict the effect of missense changes on protein structure and function are either unavailable or do not agree on the potential impact of this missense change (SIFT: "Deleterious"; PolyPhen-2: "Benign"; Align-GVGD: "Class C25"). This variant has not been reported in the literature in individuals with BSCL2-related conditions. This variant is not present in population databases (ExAC no frequency). This sequence change replaces valine with leucine at codon 66 of the BSCL2 protein (p.Val66Leu). The valine residue is highly conserved and there is a small physicochemical difference between valine and leucine.

NM_001122955.4(BSCL2):c.388G>T (p.Val130Leu)

Genes: BSCL2 (BSCL2 lipid droplet biogenesis associated, seipin; minus strand), HNRNPUL2-BSCL2 (HNRNPUL2-BSCL2 readthrough (NMD candidate); minus strand). Cytogenetic location: 11q12.3.
Variant type: single nucleotide variant.
Coding change: c.388G>T on transcript NM_001122955.4 (MANE Select); coding-DNA position 388, G replaced by T.
Protein change: p.Val130Leu; replaces valine 130 with leucine.
Molecular consequence: missense variant. On other transcripts: non-coding transcript variant (1).
Genome position (GRCh38, 1-based): chr11:62,705,317, C>A on the plus strand (G>T on the coding strand, the complement: BSCL2 is on the minus strand). VCF-style: chr11-62705317-C-A. GRCh37 (hg19) VCF-style: chr11-62472789-C-A.
Other names: c.196G>T, p.Val66Leu (NM_001130702.2, NM_032667.6); c.388G>T, p.Val130Leu (NM_001386027.1, NM_001386028.1); short protein forms V66L, V130L.
Identifiers: ClinVar variation 945227 (VCV000945227.9), dbSNP rs2083508973, ClinGen allele CA380970194.
Genomic context (GRCh38, chr11:62,705,317, plus strand): 5'-AATTCCCATAGGAGTCCTCTATTTTGATAGAAGGCCCCTCTCACCTGTAGTAGAAATGCA[C>A]AGGGCTGAGGTGGCTGACTGTCGGCATATAGGAATAGTAGAAGGAGCCATAGAGGAAGAC-3'
Protein context (NP_001116427.1, residues 120-140): YMPTVSHLSP[Val130Leu]HFYYRTDCDS